The following is an entry in ClinVar:

NM_022089.4(ATP13A2):c.221G>A (p.Arg74Gln)

Gene: ATP13A2 (ATPase cation transporting 13A2; minus strand). Cytogenetic location: 1p36.13.
Variant type: single nucleotide variant.
Coding change: c.221G>A on transcript NM_022089.4 (MANE Select); coding-DNA position 221, G replaced by A.
Protein change: p.Arg74Gln; replaces arginine 74 with glutamine.
Molecular consequence: missense variant.
Genome position (GRCh38, 1-based): chr1:17,005,441, C>T on the plus strand (G>A on the coding strand, the complement: ATP13A2 is on the minus strand). VCF-style: chr1-17005441-C-T. GRCh37 (hg19) VCF-style: chr1-17331936-C-T.
Other names: c.221G>A, p.Arg74Gln (NM_001141973.3, NM_001141974.3); short protein forms R74Q.
Identifiers: ClinVar variation 1348357 (VCV001348357.5), dbSNP rs767725094, ClinGen allele CA637727.

ClinVar aggregate classification (germline): Uncertain significance (1 of 4 stars; one submission).

Conditions:
Kufor-Rakeb syndrome (KRS). Also called: PARKINSON DISEASE 9, AUTOSOMAL RECESSIVE, JUVENILE-ONSET. Identifiers: Orphanet 306674, Orphanet 314632, MedGen C1847640, MONDO:0011706, OMIM 606693.
Autosomal recessive spastic paraplegia type 78. Identifiers: Orphanet 513436, MedGen C5567893, MONDO:0014975, OMIM 617225.

Allele frequency attached by ClinVar (database versions not stated): gnomAD exomes 0.00001 and 0.00002; TOPMed 0.00001; ExAC 0.00002.
gnomAD v4.1: 13 of 1,614,016 alleles (0.00081%); highest among the groups gnomAD compares: South Asian, 0.0044%; no homozygotes.

Submission:

Labcorp Genetics (formerly Invitae), Labcorp
Classification: Uncertain significance for Kufor-Rakeb syndrome; Autosomal recessive spastic paraplegia type 78. Last evaluated: 2021-09-24. Review status: criteria provided, single submitter. Criteria: Invitae Variant Classification Sherloc (09022015). Collection method: clinical testing. Allele origin: germline.
Comment: This sequence change replaces arginine with glutamine at codon 74 of the ATP13A2 protein (p.Arg74Gln). The arginine residue is weakly conserved and there is a small physicochemical difference between arginine and glutamine. This variant is present in population databases (rs767725094, ExAC 0.006%). This variant has not been reported in the literature in individuals with ATP13A2-related conditions. Advanced modeling of protein sequence and biophysical properties (such as structural, functional, and spatial information, amino acid conservation, physicochemical variation, residue mobility, and thermodynamic stability) performed at Invitae indicates that this missense variant is not expected to disrupt ATP13A2 protein function. Algorithms developed to predict the effect of sequence changes on RNA splicing suggest that this variant may create or strengthen a splice site, but this prediction has not been confirmed by published transcriptional studies. In summary, the available evidence is currently insufficient to determine the role of this variant in disease. Therefore, it has been classified as a Variant of Uncertain Significance.